The following is an entry in ClinVar:

NM_004415.4(DSP):c.6496C>T (p.Arg2166Ter)

Gene: DSP (desmoplakin; plus strand). Cytogenetic location: 6p24.3.
Variant type: single nucleotide variant.
Coding change: c.6496C>T on transcript NM_004415.4 (MANE Select); coding-DNA position 6496, C replaced by T.
Protein change: p.Arg2166Ter; replaces arginine 2166 with a stop codon.
Molecular consequence: nonsense.
Genome position (GRCh38, 1-based): chr6:7,583,758, C>T. VCF-style: chr6-7583758-C-T. GRCh37 (hg19) VCF-style: chr6-7583991-C-T.
Other names: p.R2166*:CGA>TGA; c.4699C>T, p.Arg1567Ter (NM_001008844.3); c.5167C>T, p.Arg1723Ter (NM_001319034.2); c.6496C>T (LRG_423t1); short protein forms R2166*, R1567*, R1723*.
Identifiers: ClinVar variation 199903 (VCV000199903.30), dbSNP rs141026028, ClinGen allele CA006958.

ClinVar aggregate classification (germline): Pathogenic/Likely pathogenic. Review status: criteria provided, multiple submitters, no conflicts (2 of 4 stars). 6 submissions from 6 submitters: Pathogenic (5); Likely pathogenic (1). Last evaluated 2025-06-24.

Conditions:
DSP-related cardiomyopathy.
DSP-related disorder. Also called: DSP-related disorders; DSP-related condition.
Cardiovascular phenotype. Identifiers: MedGen CN230736.
Arrhythmogenic right ventricular dysplasia 8 (ARVD8). Also called: ARRHYTHMOGENIC RIGHT VENTRICULAR DYSPLASIA, FAMILIAL, 8; ARRHYTHMOGENIC RIGHT VENTRICULAR CARDIOMYOPATHY 8; Arrhythmogenic Right Ventricular Dysplasia/Cardiomyopathy 8. Identifiers: MedGen C1843896, MONDO:0011831, OMIM 607450.
Arrhythmogenic cardiomyopathy with wooly hair and keratoderma. Also called: Arrhythmogenic cardiomyopathy with woolly hair and keratoderma; Carvajal syndrome; Dilated cardiomyopathy with woolly hair and keratoderma; PALMOPLANTAR KERATODERMA WITH LEFT VENTRICULAR CARDIOMYOPATHY AND WOOLLY HAIR. Identifiers: Orphanet 65282, MedGen C1854063, MONDO:0011581, OMIM 605676.
Cardiomyopathy (CMYO). Also called: Cardiomyopathies. Identifiers: Orphanet 167848, MedGen C0878544, MONDO:0004994, HP:0001638. Inheritance: Various modes of inheritance.

Allele frequency attached by ClinVar (database versions not stated): TOPMed 0.00002.
gnomAD v4.1: 15 of 1,613,952 alleles (0.00093%); highest among the groups gnomAD compares: Admixed American, 0.0017%; no homozygotes.

Submissions (6):

Labcorp Genetics (formerly Invitae), Labcorp
Classification: Pathogenic for Arrhythmogenic cardiomyopathy with wooly hair and keratoderma; Arrhythmogenic right ventricular dysplasia 8. Last evaluated: 2025-06-24. Review status: criteria provided, single submitter. Criteria: Invitae Variant Classification Sherloc (09022015). Collection method: clinical testing. Allele origin: germline.
Comment: This sequence change creates a premature translational stop signal (p.Arg2166*) in the DSP gene. While this is not anticipated to result in nonsense mediated decay, it is expected to disrupt the last 706 amino acid(s) of the DSP protein. This variant is present in population databases (no rsID available, gnomAD 0.003%). This premature translational stop signal has been observed in individual(s) with arrhythmogenic right ventricular dysplasia/cardiomyopathy and acantholytic epidermolysis bullosa (PMID: 23671136, 27532257, 28442525). ClinVar contains an entry for this variant (Variation ID: 199903). This variant disrupts a region of the DSP protein in which other variant(s) (p.Glu2728Glyfs*11) have been determined to be pathogenic (internal data). This suggests that this is a clinically significant region of the protein, and that variants that disrupt it are likely to be disease-causing. For these reasons, this variant has been classified as Pathogenic.

Ambry Genetics
Classification: Pathogenic for Cardiovascular phenotype. Last evaluated: 2025-05-29. Review status: criteria provided, single submitter. Criteria: Ambry Variant Classification Scheme 2023. Collection method: clinical testing. Allele origin: germline.
Comment: The c.6496C>T (p.R2166*) alteration, located in exon 24 (coding exon 24) of the DSP gene, consists of a C to T substitution at nucleotide position 6496. This changes the amino acid from a arginine (R) to a stop codon at amino acid position 2166. This alteration occurs at the 3' terminus of the DSP gene, is not expected to trigger nonsense-mediated mRNA decay, and impacts the last 25% of the protein. However, premature stop codons are typically deleterious in nature and the impacted region is critical for protein function (Ambry internal data). Based on data from gnomAD, the T allele has an overall frequency of 0.001% (2/251438) total alleles studied. The highest observed frequency was 0.003% (1/34590) of Latino alleles. Variants in DSP that result in haploinsufficiency or protein truncation have been reported in patients with arrhythmogenic right ventricular cardiomyopathy (ARVC) and dilated cardiomyopathy (DCM) (Fressart, 2010; Elliott, 2010; Quarta, 2011; Garcia-Pavia, 2011; Rasmussen, 2013; Pugh, 2014). This variant has been identified in an individual meeting definite arrhythmogenic right ventricular cardiomyopathy (ARVC) Task Force Criteria (Bhonsale, 2013; Groeneweg, 2015). This variant has also been reported in monozygotic twins with acantholytic epidermolysis bullosa, who had another truncating DSP variant detected in trans (Kim, 2017). Based on the available evidence, this alteration is classified as pathogenic.

GeneDx
Classification: Pathogenic. Last evaluated: 2024-11-06. Review status: criteria provided, single submitter. Criteria: GeneDx Variant Classification Process June 2021. Collection method: clinical testing. Allele origin: germline. Affected: yes.
Comment: Nonsense variant predicted to result in protein truncation or nonsense mediated decay in a gene for which loss of function is a known mechanism of disease; Not observed at significant frequency in large population cohorts (gnomAD); This variant is associated with the following publications: (PMID: 23810894, 23671136, 27532257, 31386562, 31402444, 33087929, 23871885, 32969603, 28442525, 36264615, 34352074)

Color Diagnostics, LLC DBA Color Health
Classification: Pathogenic for Cardiomyopathy. Last evaluated: 2024-08-05. Review status: criteria provided, single submitter. Criteria: ACMG Guidelines, 2015. Collection method: clinical testing. Allele origin: germline.
Comment: This variant changes 1 nucleotide in exon 24 of the DSP gene, creating a premature translation stop signal in the last exon. This variant alters C-terminal plakin repeat domains A, B and C that are essential for coalignment and binding of intermediate filaments (PMID: 12101406, 21756917) and is expected to disrupt protein function. This variant has been reported in at least three individuals affected with arrhythmogenic right ventricular cardiomyopathy (PMID: 23671136, 25820315, 27532257, 28588093, 29759408), in an individual affected with arrhythmogenic left ventricular cardiomyopathy (PMID: 35444050), and in another two individuals affected with dilated cardiomyopathy (PMID: 32969603, 37461109). This variant has been identified in 2/251438 chromosomes in the general population by the Genome Aggregation Database (gnomAD). Loss of DSP function is a known mechanism of disease. Based on the available evidence, this variant is classified as Pathogenic.

Blueprint Genetics
Classification: Pathogenic for DSP-related disorders. Last evaluated: 2023-12-05. Review status: criteria provided, single submitter. Criteria: ACMG Guidelines, 2015. Collection method: clinical testing. Allele origin: germline. Affected: yes. Observed: 1 variant allele.

Illumina Laboratory Services, Illumina
Classification: Likely pathogenic for DSP-related cardiomyopathy. Last evaluated: 2023-06-22. Review status: criteria provided, single submitter. Criteria: ICSLVariantClassificationCriteria RUGD 01 April 2020. Collection method: clinical testing. Allele origin: unknown.
Comment: The DSP c.6496C>T (p.Arg2166Ter) nonsense variant results in the loss of normal protein function through protein truncation. This variant occurs in the last exon of the gene and may escape nonsense-mediated mRNA decay. This variant has been identified in a heterozygous state in individuals with arrhythmogenic right ventricular cardiomyopathy (PMID: 23671136; 27532257) and dilated cardiomyopathy (PMID:32969603). This variant is not observed at a significant frequency in version 2.1.1 or version 3.1.2 of the Genome Aggregation Database. This variant has been previously classified as pathogenic by at least three submitters in ClinVar. Based on the available evidence, the c.6496C>T (p.Arg2166Ter) variant is classified as likely pathogenic for DSP-related cardiomyopathy.

Literature cited by the submitters: PubMed 23671136 (cited by 3 submitters); PubMed 27532257 (cited by Labcorp Genetics (formerly Invitae), Labcorp and Color Diagnostics, LLC DBA Color Health); PubMed 28442525 (cited by Labcorp Genetics (formerly Invitae), Labcorp and Ambry Genetics); PubMed 20400443 (cited by Ambry Genetics); PubMed 20716751 (cited by Ambry Genetics); PubMed 21606390 (cited by Ambry Genetics); PubMed 21859740 (cited by Ambry Genetics); PubMed 23137101 (cited by Ambry Genetics); PubMed 24503780 (cited by Ambry Genetics); PubMed 25820315 (cited by Ambry Genetics and Color Diagnostics, LLC DBA Color Health); PubMed 12101406 (cited by Color Diagnostics, LLC DBA Color Health); PubMed 21756917 (cited by Color Diagnostics, LLC DBA Color Health); PubMed 28588093 (cited by Color Diagnostics, LLC DBA Color Health); PubMed 29759408 (cited by Color Diagnostics, LLC DBA Color Health); PubMed 32969603 (cited by Color Diagnostics, LLC DBA Color Health); PubMed 35444050 (cited by Color Diagnostics, LLC DBA Color Health); PubMed 37461109 (cited by Color Diagnostics, LLC DBA Color Health).